The following is an entry in ClinVar:

ClinVar aggregate classification (germline): Pathogenic (1 of 4 stars; one submission).

Submission:

Labcorp Genetics (formerly Invitae), Labcorp
Classification: Pathogenic. Last evaluated: 2022-05-10. Review status: criteria provided, single submitter. Criteria: Invitae Variant Classification Sherloc (09022015). Collection method: clinical testing. Allele origin: germline.
Comment: For these reasons, this variant has been classified as Pathogenic. This variant has not been reported in the literature in individuals affected with FOXP1-related conditions. This variant is not present in population databases (gnomAD no frequency). This sequence change creates a premature translational stop signal (p.Tyr303*) in the FOXP1 gene. It is expected to result in an absent or disrupted protein product. Loss-of-function variants in FOXP1 are known to be pathogenic (PMID: 28735298).

Literature cited by the submitters: PubMed 28735298.

NM_001349338.3(FOXP1):c.909T>G (p.Tyr303Ter)

Gene: FOXP1 (forkhead box P1; minus strand). Cytogenetic location: 3p13.
Variant type: single nucleotide variant.
Coding change: c.909T>G on transcript NM_001349338.3 (MANE Select); coding-DNA position 909, T replaced by G.
Protein change: p.Tyr303Ter; replaces tyrosine 303 with a stop codon.
Molecular consequence: nonsense. On other transcripts: non-coding transcript variant (2).
Genome position (GRCh38, 1-based): chr3:71,015,614, A>C on the plus strand (T>G on the coding strand, the complement: FOXP1 is on the minus strand). VCF-style: chr3-71015614-A-C. GRCh37 (hg19) VCF-style: chr3-71064765-A-C.
Other names: c.909T>G, p.Tyr303Ter (NM_001244808.3, NM_001244810.2, NM_001244814.3 and 4 more transcripts); c.681T>G, p.Tyr227Ter (NM_001244812.3); c.609T>G, p.Tyr203Ter (NM_001244813.3, NM_001244815.2, NM_001349342.3 and 1 more transcripts); c.606T>G, p.Tyr202Ter (NM_001349337.2, NM_001349343.3, NM_001349344.3); c.906T>G, p.Tyr302Ter (NM_001349341.3); short protein forms Y203*, Y302*, Y202*, Y227*, Y303*.
Identifiers: ClinVar variation 1992885 (VCV001992885.4), dbSNP rs752258317, ClinGen allele CA353562371.
Genomic context (GRCh38, chr3:71,015,614, plus strand): 5'-AAATGATTGGAAATCTTCGCACACTGCTTCACAGCCTGGCCACTTGCATACACCATGTCC[A>C]TAGAGAGGATGGCTATGGGGGTGCTCCTCATGGGACAAACTGAAAGAAAACACACAGAAG-3'